The following is an entry in ClinVar:

NM_002582.4(PARN):c.1192+4C>T

Gene: PARN (poly(A)-specific ribonuclease; minus strand). Cytogenetic location: 16p13.12.
Variant type: single nucleotide variant.
Coding change: c.1192+4C>T on transcript NM_002582.4 (MANE Select); 4 bases into the intron after coding-DNA position 1192, C replaced by T.
Molecular consequence: intron variant.
Genome position (GRCh38, 1-based): chr16:14,582,177, G>A on the plus strand (C>T on the coding strand, the complement: PARN is on the minus strand). VCF-style: chr16-14582177-G-A. GRCh37 (hg19) VCF-style: chr16-14676034-G-A.
Other names: c.1192+4C>T (LRG_1286t1); c.1009+4C>T (NM_001134477.3); c.1054+4C>T (NM_001242992.2).
Identifiers: ClinVar variation 383414 (VCV000383414.13), dbSNP rs185546844, ClinGen allele CA7912130.
Genomic context (GRCh38, chr16:14,582,177, plus strand): 5'-CAGGAGACAGGTAAGATCCACCCTAGATCACTGCGTGTTTGACTGAAAGACATGTAATGC[G>A]TACCTAGGTAATTGGCCATGGAGATGAAGCACAGCCCTGTGATGTAGGCATCGTAGCCTG-3'

ClinVar aggregate classification (germline): Benign/Likely benign. Review status: criteria provided, multiple submitters, no conflicts (2 of 4 stars). 3 submissions from 3 submitters: Benign (1); Likely benign (2). Last evaluated 2025-11-23.

Conditions:
Dyskeratosis congenita, autosomal recessive 6 (DKCB6). Identifiers: MedGen C4225356, MONDO:0014600, OMIM 616353.
Pulmonary fibrosis and/or bone marrow failure, Telomere-related, 4. Also called: PULMONARY FIBROSIS AND/OR BONE MARROW FAILURE SYNDROME, TELOMERE-RELATED, 4. Identifiers: Orphanet 2032, MedGen C4225347, MONDO:0014612, OMIM 616371.

Allele frequency attached by ClinVar (database versions not stated): gnomAD 0.00026 and 0.00018; TOPMed 0.00032; ExAC 0.00036; gnomAD exomes 0.00038 and 0.00016; 1000 Genomes Project 30x 0.00125; 1000 Genomes Project 0.00140.
gnomAD v4.1: 271 of 1,558,246 alleles (0.017%); highest among the groups gnomAD compares: South Asian, 0.19%; 3 homozygotes.

Submissions (3):

Labcorp Genetics (formerly Invitae), Labcorp
Classification: Benign for Dyskeratosis congenita, autosomal recessive 6; Pulmonary fibrosis and/or bone marrow failure, Telomere-related, 4. Last evaluated: 2025-11-23. Review status: criteria provided, single submitter. Criteria: Invitae Variant Classification Sherloc (09022015). Collection method: clinical testing. Allele origin: germline.

Blueprint Genetics
Classification: Likely benign. Last evaluated: 2024-11-18. Review status: criteria provided, single submitter. Criteria: ACMG Guidelines, 2015. Collection method: clinical testing. Allele origin: germline.

GeneDx
Classification: Likely benign. Last evaluated: 2016-02-27. Review status: criteria provided, single submitter. Criteria: GeneDx Variant Classification (06012015). Collection method: clinical testing. Allele origin: germline. Affected: yes.
Comment: This variant is considered likely benign or benign based on one or more of the following criteria: it is a conservative change, it occurs at a poorly conserved position in the protein, it is predicted to be benign by multiple in silico algorithms, and/or has population frequency not consistent with disease.